The following is an entry in ClinVar:

NM_183050.4(BCKDHB):c.772A>T (p.Ile258Phe)

Gene: BCKDHB (branched chain keto acid dehydrogenase E1 subunit beta; plus strand). Cytogenetic location: 6q14.1.
Variant type: single nucleotide variant.
Coding change: c.772A>T on transcript NM_183050.4 (MANE Select); coding-DNA position 772, A replaced by T.
Protein change: p.Ile258Phe; replaces isoleucine 258 with phenylalanine.
Molecular consequence: missense variant. On other transcripts: non-coding transcript variant (1).
Genome position (GRCh38, 1-based): chr6:80,200,963, A>T. VCF-style: chr6-80200963-A-T. GRCh37 (hg19) VCF-style: chr6-80910680-A-T.
Other names: c.772A>T, p.Ile258Phe (NM_000056.5); c.562A>T, p.Ile188Phe (NM_001318975.1); short protein forms I188F, I258F.
Identifiers: ClinVar variation 2049117 (VCV002049117.2), dbSNP rs201673603, ClinGen allele CA3902756.

ClinVar aggregate classification (germline): Uncertain significance (1 of 4 stars; one submission).

Conditions:
Maple syrup urine disease (MSUD). Identifiers: Orphanet 511, MedGen C0024776, MeSH D008375, MONDO:0009563. Disease mechanism: loss of function.

Allele frequency attached by ClinVar (database versions not stated): TOPMed 0.00008; gnomAD 0.00011; ExAC 0.00021.
gnomAD v4.1: 213 of 1,612,556 alleles (0.013%); highest among the groups gnomAD compares: Middle Eastern, 0.45%; no homozygotes.

Submissions (3):

Labcorp Genetics (formerly Invitae), Labcorp
Classification: Uncertain significance for Maple syrup urine disease. Last evaluated: 2022-08-05. Review status: criteria provided, single submitter. Criteria: Invitae Variant Classification Sherloc (09022015). Collection method: clinical testing. Allele origin: germline.
Comment: This sequence change replaces isoleucine, which is neutral and non-polar, with phenylalanine, which is neutral and non-polar, at codon 258 of the BCKDHB protein (p.Ile258Phe). This variant is present in population databases (rs201673603, gnomAD 0.08%). This variant has not been reported in the literature in individuals affected with BCKDHB-related conditions. Algorithms developed to predict the effect of missense changes on protein structure and function (SIFT, PolyPhen-2, Align-GVGD) all suggest that this variant is likely to be tolerated. In summary, the available evidence is currently insufficient to determine the role of this variant in disease. Therefore, it has been classified as a Variant of Uncertain Significance.

Dr. Peter K. Rogan Lab, Western University
No classification provided (evidence only). Condition: Clear cell carcinoma of kidney. Review status: no classification provided. Collection method: in vitro. Allele origin: not applicable. Functional consequence: retained intron. Not counted in ClinVar's aggregate classification.

Dr. Peter K. Rogan Lab, Western University
No classification provided (evidence only). Condition: Lung cancer. Review status: no classification provided. Collection method: in vitro. Allele origin: not applicable. Functional consequence: retained intron. Not counted in ClinVar's aggregate classification.